The following is an entry in ClinVar:

ClinVar aggregate classification (germline): Pathogenic/Likely pathogenic. Review status: criteria provided, multiple submitters, no conflicts (2 of 4 stars). 2 submissions from 2 submitters: Pathogenic (1); Likely pathogenic (1). Last evaluated 2025-08-14.

Conditions:
Autosomal recessive polycystic kidney disease (ARPKD). Also called: AR polycystic kidney disease. Identifiers: Orphanet 731, Orphanet 8378, MedGen C0085548, MeSH D017044, MONDO:0009889.

Submissions (2):

Natera, Inc.
Classification: Likely pathogenic for Autosomal recessive polycystic kidney disease. Last evaluated: 2025-08-14. Review status: criteria provided, single submitter. Criteria: Natera Variant Classification Schema (03/2026). Collection method: clinical testing. Allele origin: germline.
Comment: The c.2606delA variant in PKHD1 is a frameshift variant predicted to shift the reading frame beginning at codon 869 and leads to a stop codon 5 codons downstream. This variant is expected to result in nonsense mediated decay, truncation, or a dysfunctional protein product. This variant is rare in the general population with a frequency below the threshold expected for the associated phenotype(s). Given the available evidence, this variant is classified as Likely Pathogenic.

Labcorp Genetics (formerly Invitae), Labcorp
Classification: Pathogenic for Autosomal recessive polycystic kidney disease. Last evaluated: 2023-03-24. Review status: criteria provided, single submitter. Criteria: Invitae Variant Classification Sherloc (09022015). Collection method: clinical testing. Allele origin: germline.
Comment: For these reasons, this variant has been classified as Pathogenic. This variant has not been reported in the literature in individuals affected with PKHD1-related conditions. This variant is not present in population databases (gnomAD no frequency). This sequence change creates a premature translational stop signal (p.Asn869Thrfs*5) in the PKHD1 gene. It is expected to result in an absent or disrupted protein product. Loss-of-function variants in PKHD1 are known to be pathogenic (PMID: 19940839).

Literature cited by the submitters: PubMed 19940839 (cited by Labcorp Genetics (formerly Invitae), Labcorp).

NM_138694.4(PKHD1):c.2606del (p.Asn869fs)

Gene: PKHD1 (PKHD1 ciliary IPT domain containing fibrocystin/polyductin; minus strand). Cytogenetic location: 6p12.2.
Variant type: Deletion.
Coding change: c.2606del on transcript NM_138694.4 (MANE Select); coding-DNA position 2606, one base deleted (A; older notation c.2606delA).
Protein change: p.Asn869fs; shifts the reading frame from asparagine 869.
Molecular consequence: frameshift variant.
Genome position (GRCh38, 1-based): chr6:52,045,075, T deleted on the plus strand (A on the coding strand, the reverse complement: PKHD1 is on the minus strand); the first of 4 consecutive T bases (chr6:52,045,075-52,045,078); deleting any one gives the same sequence. VCF-style (leftmost placement, unchanged base first): chr6-52045074-GT-G. GRCh37 (hg19) VCF-style: chr6-51909872-GT-G.
Other names: c.2606delA (NM_138694.3); c.2606del, p.Asn869fs (NM_170724.3); short protein forms N869fs.
Identifiers: ClinVar variation 2849092 (VCV002849092.4), dbSNP rs2533097821, ClinGen allele CA2739273120.
Genomic context (GRCh38, chr6:52,045,074, plus strand): 5'-AAGAAAAACTCCACCATCATATACCACACGCGTGGCTGCAGCAGGATTCACTCCAGTAAG[GT>G]TTTCATCAGAGACCTGAGATGGTTACATTTCTGGTAAATTCTGTCATGGAACCGAAATCT-3'